The following is an entry in ClinVar:

NM_014639.4(SKIC3):c.1966C>A (p.Gln656Lys)

Gene: SKIC3 (SKI3 subunit of superkiller complex; minus strand). Cytogenetic location: 5q15.
Variant type: single nucleotide variant.
Coding change: c.1966C>A on transcript NM_014639.4 (MANE Select); coding-DNA position 1966, C replaced by A.
Protein change: p.Gln656Lys; replaces glutamine 656 with lysine.
Molecular consequence: missense variant.
Genome position (GRCh38, 1-based): chr5:95,522,099, G>T on the plus strand (C>A on the coding strand, the complement: SKIC3 is on the minus strand). VCF-style: chr5-95522099-G-T. GRCh37 (hg19) VCF-style: chr5-94857803-G-T.
Other names: short protein forms Q656K.
Identifiers: ClinVar variation 1372033 (VCV001372033.5), dbSNP rs780101773, ClinGen allele CA3347202.
Genomic context (GRCh38, chr5:95,522,099, plus strand): 5'-CTAAAAATAAATTACCTTTTAAAGCAGGCACATAATCTTCTTTCTTTTTAATGATCATCT[G>T]GTATTGAGCTACAGCCTCCTTATATTTGCCTAGGATTTGCTGTATTGCTGCAACCTTAAA-3'
Protein context (NP_055454.1, residues 646-666): GKYKEAVAQY[Gln656Lys]MIIKKKEDYV

ClinVar aggregate classification (germline): Uncertain significance (1 of 4 stars; one submission).

Allele frequency attached by ClinVar (database versions not stated): ExAC 0.00002; gnomAD exomes 0.00002 and 0.00003.
gnomAD v4.1: 29 of 1,613,698 alleles (0.0018%); highest among the groups gnomAD compares: Admixed American, 0.0033%; no homozygotes.

Submission:

Labcorp Genetics (formerly Invitae), Labcorp
Classification: Uncertain significance. Last evaluated: 2021-08-24. Review status: criteria provided, single submitter. Criteria: Invitae Variant Classification Sherloc (09022015). Collection method: clinical testing. Allele origin: germline.
Comment: This sequence change replaces glutamine with lysine at codon 656 of the TTC37 protein (p.Gln656Lys). The glutamine residue is moderately conserved and there is a small physicochemical difference between glutamine and lysine. This variant is present in population databases (rs780101773, ExAC 0.005%). This variant has not been reported in the literature in individuals affected with TTC37-related conditions. Algorithms developed to predict the effect of missense changes on protein structure and function (SIFT, PolyPhen-2, Align-GVGD) all suggest that this variant is likely to be tolerated. In summary, the available evidence is currently insufficient to determine the role of this variant in disease. Therefore, it has been classified as a Variant of Uncertain Significance.